The following is an entry in ClinVar:

ClinVar aggregate classification (germline): Uncertain significance (1 of 4 stars; one submission).

gnomAD v4.1: 1 of 1,613,998 alleles (0.000062%); highest among the groups gnomAD compares: Non-Finnish European, 0.000085%; no homozygotes.

Submission:

GeneDx
Classification: Uncertain significance. Last evaluated: 2025-01-03. Review status: criteria provided, single submitter. Criteria: GeneDx Variant Classification Process June 2021. Collection method: clinical testing. Allele origin: germline. Affected: yes.
Comment: Not observed at significant frequency in large population cohorts (gnomAD); In silico analysis supports that this missense variant has a deleterious effect on protein structure/function; Has not been previously published as pathogenic or benign to our knowledge

NM_001366521.1(ATP2B1):c.1805G>T (p.Gly602Val)

Gene: ATP2B1 (ATPase plasma membrane Ca2+ transporting 1; minus strand). Cytogenetic location: 12q21.33.
Variant type: single nucleotide variant.
Coding change: c.1805G>T on transcript NM_001366521.1 (MANE Select); coding-DNA position 1805, G replaced by T.
Protein change: p.Gly602Val; replaces glycine 602 with valine.
Molecular consequence: missense variant. On other transcripts: non-coding transcript variant (3).
Genome position (GRCh38, 1-based): chr12:89,620,023, C>A on the plus strand (G>T on the coding strand, the complement: ATP2B1 is on the minus strand). VCF-style: chr12-89620023-C-A. GRCh37 (hg19) VCF-style: chr12-90013800-C-A.
Other names: c.1805G>T, p.Gly602Val (NM_001001323.2, NM_001366520.1, NM_001366522.1 and 12 more transcripts); c.1607G>T, p.Gly536Val (NM_001366530.1, NM_001413053.1); c.1244G>T, p.Gly415Val (NM_001366531.1, NM_001366532.1, NM_001413058.1 and 2 more transcripts); c.1766G>T, p.Gly589Val (NM_001413048.1); c.1664G>T, p.Gly555Val (NM_001413051.1, NM_001413052.1, NM_001413055.1); c.1562G>T, p.Gly521Val (NM_001413054.1); c.1550G>T, p.Gly517Val (NM_001413056.1); c.1352G>T, p.Gly451Val (NM_001413057.1); short protein forms G521V, G536V, G589V, G555V, G415V, G602V, G451V, G517V.
Identifiers: ClinVar variation 4055990 (VCV004055990.1).